The following is an entry in ClinVar:

NM_133497.4(KCNV2):c.220G>A (p.Glu74Lys)

Gene: KCNV2 (potassium voltage-gated channel modifier subfamily V member 2; plus strand). Cytogenetic location: 9p24.2.
Variant type: single nucleotide variant.
Coding change: c.220G>A on transcript NM_133497.4 (MANE Select); coding-DNA position 220, G replaced by A.
Protein change: p.Glu74Lys; replaces glutamic acid 74 with lysine.
Molecular consequence: missense variant.
Genome position (GRCh38, 1-based): chr9:2,717,959, G>A. VCF-style: chr9-2717959-G-A. GRCh37 (hg19) VCF-style: chr9-2717959-G-A.
Other names: c.220G>A (NM_133497.3); short protein forms E74K.
Identifiers: ClinVar variation 1477299 (VCV001477299.8), dbSNP rs756949524, ClinGen allele CA4965373.

ClinVar aggregate classification (germline): Uncertain significance. Review status: criteria provided, multiple submitters, no conflicts (2 of 4 stars). 3 submissions from 3 submitters: Uncertain significance (2). 1 of the submissions does not count toward it. Last evaluated 2025-08-13.

Conditions:
Inborn genetic diseases. Identifiers: MedGen C0950123, MeSH D030342.
Optic atrophy. Identifiers: MedGen C0029124, MONDO:0003608, HP:0000648.

Allele frequency attached by ClinVar (database versions not stated): gnomAD 0.00001.
gnomAD v4.1: 18 of 1,614,078 alleles (0.0011%); highest among the groups gnomAD compares: South Asian, 0.0055%; no homozygotes.

Submissions (3):

Ambry Genetics
Classification: Uncertain significance for Inborn genetic diseases. Last evaluated: 2025-08-13. Review status: criteria provided, single submitter. Criteria: Ambry Variant Classification Scheme 2023. Collection method: clinical testing. Allele origin: germline.

Labcorp Genetics (formerly Invitae), Labcorp
Classification: Uncertain significance. Last evaluated: 2023-08-04. Review status: criteria provided, single submitter. Criteria: Invitae Variant Classification Sherloc (09022015). Collection method: clinical testing. Allele origin: germline.
Comment: This sequence change replaces glutamic acid, which is acidic and polar, with lysine, which is basic and polar, at codon 74 of the KCNV2 protein (p.Glu74Lys). This variant is present in population databases (rs756949524, gnomAD 0.004%). This variant has not been reported in the literature in individuals affected with KCNV2-related conditions. ClinVar contains an entry for this variant (Variation ID: 1477299). Advanced modeling of protein sequence and biophysical properties (such as structural, functional, and spatial information, amino acid conservation, physicochemical variation, residue mobility, and thermodynamic stability) performed at Invitae indicates that this missense variant is not expected to disrupt KCNV2 protein function. In summary, the available evidence is currently insufficient to determine the role of this variant in disease. Therefore, it has been classified as a Variant of Uncertain Significance.

Institute of Human Genetics, Univ. Regensburg, Univ. Regensburg
Classification: Uncertain significance for Optic atrophy. Last evaluated: 2022-01-01. Review status: no assertion criteria provided. Criteria: ACMG Guidelines, 2015. Collection method: clinical testing. Allele origin: germline. Affected: yes. Not counted in ClinVar's aggregate classification.